The following is an entry in ClinVar:

ClinVar aggregate classification (germline): Benign. Review status: criteria provided, single submitter (1 of 4 stars). 2 submissions from 2 submitters: Benign (1). 1 of the submissions does not count toward it. Last evaluated 2026-01-27.

Conditions:
INTU-related disorder. Also called: INTU-related condition.

Allele frequency attached by ClinVar (database versions not stated): ESP Exome Variant Server 0.00015; gnomAD exomes 0.00149 and 0.00373; gnomAD 0.00210 and 0.00251; ExAC 0.00317; TOPMed 0.00360; 1000 Genomes Project 30x 0.00718; 1000 Genomes Project 0.00719.
gnomAD v4.1: 2,602 of 1,614,036 alleles (0.16%); highest among the groups gnomAD compares: East Asian, 3.7%; 52 homozygotes.

Submissions (2):

Labcorp Genetics (formerly Invitae), Labcorp
Classification: Benign. Last evaluated: 2026-01-27. Review status: criteria provided, single submitter. Criteria: Invitae Variant Classification Sherloc (09022015). Collection method: clinical testing. Allele origin: germline.

PreventionGenetics, part of Exact Sciences
Classification: Benign for INTU-related condition. Last evaluated: 2019-04-23. Review status: no assertion criteria provided. Collection method: clinical testing. Allele origin: germline. Not counted in ClinVar's aggregate classification.
Comment: This variant is classified as benign based on ACMG/AMP sequence variant interpretation guidelines (Richards et al. 2015 PMID: 25741868, with internal and published modifications).

NM_015693.4(INTU):c.104T>C (p.Val35Ala)

Gene: INTU (inturned planar cell polarity protein; plus strand). Cytogenetic location: 4q28.1.
Variant type: single nucleotide variant.
Coding change: c.104T>C on transcript NM_015693.4 (MANE Select); coding-DNA position 104, T replaced by C.
Protein change: p.Val35Ala; replaces valine 35 with alanine.
Molecular consequence: missense variant.
Genome position (GRCh38, 1-based): chr4:127,633,138, T>C. VCF-style: chr4-127633138-T-C. GRCh37 (hg19) VCF-style: chr4-128554293-T-C.
Other names: c.104T>C (NM_015693.3); short protein forms V35A.
Identifiers: ClinVar variation 1613877 (VCV001613877.10), dbSNP rs117754102, ClinGen allele CA3074705.
Genomic context (GRCh38, chr4:127,633,138, plus strand): 5'-AGCTCCCTGGAGACCCCTCTTCACAAGAAGAAGATGAGGACTATGATTTTGAAGATCGGG[T>C]CAGCGACTCGGGTTCATATTCCTCAGCGAGTAGCGATTATGAGTAAGGTTTTCAAAGAGG-3'
Protein context (NP_056508.2, residues 25-45): EDEDYDFEDR[Val35Ala]SDSGSYSSAS